The following is an entry in ClinVar:

ClinVar aggregate classification (germline): Likely benign (1 of 4 stars; one submission).

Allele frequency attached by ClinVar (database versions not stated): gnomAD exomes below 0.00001.
gnomAD v4.1: 1 of 1,614,158 alleles (0.000062%); highest among the groups gnomAD compares: South Asian, 0.0011%; no homozygotes.

Submission:

GeneDx
Classification: Likely benign. Last evaluated: 2017-09-18. Review status: criteria provided, single submitter. Criteria: GeneDx Variant Classification (06012015). Collection method: clinical testing. Allele origin: germline. Affected: yes.
Comment: This variant is considered likely benign or benign based on one or more of the following criteria: it is a conservative change, it occurs at a poorly conserved position in the protein, it is predicted to be benign by multiple in silico algorithms, and/or has population frequency not consistent with disease.

NM_004408.4(DNM1):c.1005G>A (p.Gln335=)

Gene: DNM1 (dynamin 1; plus strand). Cytogenetic location: 9q34.11.
Variant type: single nucleotide variant.
Coding change: c.1005G>A on transcript NM_004408.4 (MANE Select); coding-DNA position 1005, G replaced by A.
Protein change: p.Gln335=; no amino-acid change (glutamine 335 retained).
Molecular consequence: synonymous variant.
Genome position (GRCh38, 1-based): chr9:128,222,473, G>A. VCF-style: chr9-128222473-G-A. GRCh37 (hg19) VCF-style: chr9-130984752-G-A.
Other names: c.1005G>A, p.Gln335= (NM_001005336.3, NM_001288737.2, NM_001288738.2 and 1 more transcripts).
Identifiers: ClinVar variation 512140 (VCV000512140.1), dbSNP rs1554774560, ClinGen allele CA467481737.
Genomic context (GRCh38, chr9:128,222,473, plus strand): 5'-TTTGCTGGGCTGCTCCTGCCCCCTCAGGCCACACCACTCTCCCACCAGGATGGTCCAGCA[G>A]TTCGCCGTAGACTTTGAGAAGCGCATTGAGGGCTCAGGAGATCAGATCGACACCTACGAA-3'
Protein context (NP_004399.2, residues 325-345): KTKALLQMVQ[Gln335=]FAVDFEKRIE